The following is an entry in ClinVar:

ClinVar aggregate classification (germline): Uncertain significance (1 of 4 stars; one submission).

Conditions:
Xeroderma pigmentosum (XP). Identifiers: Orphanet 910, MedGen C0043346, MONDO:0019600.

Allele frequency attached by ClinVar (database versions not stated): ExAC 0.00001; gnomAD 0.00001; gnomAD exomes 0.00001; TOPMed 0.00001.
gnomAD v4.1: 8 of 1,613,592 alleles (0.0005%); highest among the groups gnomAD compares: Admixed American, 0.0017%; no homozygotes.

Submission:

Sema4
Classification: Uncertain significance for Xeroderma pigmentosum. Last evaluated: 2022-03-09. Review status: criteria provided, single submitter. Criteria: Sema4 Curation Guidelines. Collection method: curation. Allele origin: germline.
Comment: The ERCC3 c.1635G>A (p.Q545=) variant has not been reported in the literature to our knowledge. It was observed in 1/24964 chromosomes of the African/African American subpopulation in the large and broad cohorts of the Genome Aggregation Database (PMID: 32461654). This variant has not been reported in ClinVar. The nucleotide is moderately conserved and in silico tools that predict the effect of sequence changes on splicing suggest that this variant may not impact splicing, though these predictions have not been confirmed by functional studies. The evidence is insufficient to meet ACMG/AMP criteria for classifying the variant as benign or pathogenic. Thus, the clinical significance of this variant is currently uncertain.

NM_000122.2(ERCC3):c.1635G>A (p.Gln545=)

Gene: ERCC3 (ERCC excision repair 3, TFIIH core complex helicase subunit; minus strand). Cytogenetic location: 2q14.3.
Variant type: single nucleotide variant.
Coding change: c.1635G>A on transcript NM_000122.2 (MANE Select); coding-DNA position 1635, G replaced by A.
Protein change: p.Gln545=; no amino-acid change (glutamine 545 retained).
Molecular consequence: synonymous variant.
Genome position (GRCh38, 1-based): chr2:127,279,268, C>T on the plus strand (G>A on the coding strand, the complement: ERCC3 is on the minus strand). VCF-style: chr2-127279268-C-T. GRCh37 (hg19) VCF-style: chr2-128036844-C-T.
Other names: c.1443G>A, p.Gln481= (NM_001303416.2, NM_001303418.2).
Identifiers: ClinVar variation 1692161 (VCV001692161.1), dbSNP rs760111061, ClinGen allele CA1858220.
Genomic context (GRCh38, chr2:127,279,268, plus strand): 5'-CACATTGTCAGCAAAGACAATAATCTTGTCATTCCTCCTTTCATGAAACTTGATCAGAAA[C>T]TGGCAAGCTCTAAATTTGTTGGGGTTCATGGTGTACAGCAAGATTCGTTTCTTGGTTTTG-3'
Protein context (NP_000113.1, residues 535-555): TMNPNKFRAC[Gln545=]FLIKFHERRN